The following is an entry in ClinVar:

ClinVar aggregate classification (germline): Uncertain significance (1 of 4 stars; one submission).

Submission:

GeneDx
Classification: Uncertain significance. Last evaluated: 2026-03-11. Review status: criteria provided, single submitter. Criteria: GeneDx Variant Classification Process June 2021. Collection method: clinical testing. Allele origin: germline.
Comment: Not observed at significant frequency in large population cohorts (gnomAD); In silico analysis suggests that this missense variant does not alter protein structure/function; Has not been previously published as pathogenic or benign to our knowledge

NM_003601.4(SMARCA5):c.223G>A (p.Glu75Lys)

Gene: SMARCA5 (SNF2 related chromatin remodeling ATPase 5; plus strand). Cytogenetic location: 4q31.21.
Variant type: single nucleotide variant.
Coding change: c.223G>A on transcript NM_003601.4 (MANE Select); coding-DNA position 223, G replaced by A.
Protein change: p.Glu75Lys; replaces glutamic acid 75 with lysine.
Molecular consequence: missense variant.
Genome position (GRCh38, 1-based): chr4:143,517,400, G>A. VCF-style: chr4-143517400-G-A. GRCh37 (hg19) VCF-style: chr4-144438553-G-A.
Other names: short protein forms E75K.
Identifiers: ClinVar variation 5009077 (VCV005009077.1).
Genomic context (GRCh38, chr4:143,517,400, plus strand): 5'-ATTTCTTTCTACCAGGAAATATTTGATGATGCGTCACCTGGAAAGCAAAAGGAAATCCAA[G>A]AACCAGATCCTACCTATGAAGAAAAAATGGTATGTTCTAGGCTTGTGAATAGAGTCTATA-3'
Protein context (NP_003592.3, residues 65-85): ASPGKQKEIQ[Glu75Lys]PDPTYEEKMQ